The following is an entry in ClinVar:

ClinVar aggregate classification (germline): Conflicting classifications of pathogenicity. Review status: criteria provided, conflicting classifications (1 of 4 stars). 2 submissions from 2 submitters: Likely pathogenic (1); Uncertain significance (1). Last evaluated 2025-03-10.

Conditions:
Achromatopsia. Also called: Rod monochromatism. Identifiers: Orphanet 49382, MedGen C0152200, MONDO:0018852, HP:0011516.

Submissions (2):

Natera, Inc.
Classification: Likely pathogenic for Achromatopsia. Last evaluated: 2025-03-10. Review status: criteria provided, single submitter. Criteria: Natera Variant Classification Schema (03/2026). Collection method: clinical testing. Allele origin: germline.
Comment: The c.2048_2049delCA variant in CNGB3 is a frameshift variant predicted to shift the reading frame beginning at codon 683 and leads to a stop codon 24 codons downstream. This variant is expected to result in nonsense mediated decay, truncation, or a dysfunctional protein product. This variant is rare in the general population with a frequency below the threshold expected for the associated phenotype(s). Given the available evidence, this variant is classified as Likely Pathogenic.

Labcorp Genetics (formerly Invitae), Labcorp
Classification: Uncertain significance. Last evaluated: 2022-09-13. Review status: criteria provided, single submitter. Criteria: Invitae Variant Classification Sherloc (09022015). Collection method: clinical testing. Allele origin: germline.
Comment: This sequence change creates a premature translational stop signal (p.Thr683Argfs*24) in the CNGB3 gene. While this is not anticipated to result in nonsense mediated decay, it is expected to disrupt the last 127 amino acid(s) of the CNGB3 protein. This variant is present in population databases (no rsID available, gnomAD 0.0009%). This variant has not been reported in the literature in individuals affected with CNGB3-related conditions. Experimental studies and prediction algorithms are not available or were not evaluated, and the functional significance of this variant is currently unknown. In summary, the available evidence is currently insufficient to determine the role of this variant in disease. Therefore, it has been classified as a Variant of Uncertain Significance.

NM_019098.5(CNGB3):c.2048_2049del (p.Thr683fs)

Gene: CNGB3 (cyclic nucleotide gated channel subunit beta 3; minus strand). Cytogenetic location: 8q21.3.
Variant type: Microsatellite.
Coding change: c.2048_2049del on transcript NM_019098.5 (MANE Select); coding-DNA positions 2048 to 2049, 2 bases deleted (CA; older notation c.2048_2049delCA).
Protein change: p.Thr683fs; shifts the reading frame from threonine 683.
Molecular consequence: frameshift variant.
Genome position (GRCh38, 1-based): chr8:86,578,743-86,578,744, TG deleted on the plus strand (CA on the coding strand, the reverse complement: CNGB3 is on the minus strand); deleting any 2 consecutive bases within chr8:86,578,743-86,578,746 gives the same sequence; the c. name uses the placement nearest the transcript's 3' end. VCF-style (leftmost placement, unchanged base first): chr8-86578742-CTG-C. GRCh37 (hg19) VCF-style: chr8-87590970-CTG-C.
Other names: c.2048_2049delCA (NM_019098.4); short protein forms T683fs.
Identifiers: ClinVar variation 1951441 (VCV001951441.3), dbSNP rs868399385, ClinGen allele CA180333426.